The following is an entry in ClinVar:

ClinVar aggregate classification (germline): Uncertain significance (1 of 4 stars; one submission).

Submission:

Labcorp Genetics (formerly Invitae), Labcorp
Classification: Uncertain significance. Last evaluated: 2024-04-24. Review status: criteria provided, single submitter. Criteria: Invitae Variant Classification Sherloc (09022015). Collection method: clinical testing. Allele origin: germline.
Comment: This sequence change replaces tryptophan, which is neutral and slightly polar, with arginine, which is basic and polar, at codon 5 of the BGN protein (p.Trp5Arg). This variant is not present in population databases (gnomAD no frequency). This variant has not been reported in the literature in individuals affected with BGN-related conditions. An algorithm developed to predict the effect of missense changes on protein structure and function (PolyPhen-2) suggests that this variant is likely to be tolerated. In summary, the available evidence is currently insufficient to determine the role of this variant in disease. Therefore, it has been classified as a Variant of Uncertain Significance.

NM_001711.6(BGN):c.13T>C (p.Trp5Arg)

Gene: BGN (biglycan; plus strand). Cytogenetic location: Xq28.
Variant type: single nucleotide variant.
Coding change: c.13T>C on transcript NM_001711.6 (MANE Select); coding-DNA position 13, T replaced by C.
Protein change: p.Trp5Arg; replaces tryptophan 5 with arginine.
Molecular consequence: missense variant.
Genome position (GRCh38, 1-based): chrX:153,504,644, T>C. VCF-style: chrX-153504644-T-C. GRCh37 (hg19) VCF-style: chrX-152770102-T-C.
Other names: short protein forms W5R.
Identifiers: ClinVar variation 3650706 (VCV003650706.2).